The following is an entry in ClinVar:

ClinVar aggregate classification (germline): Uncertain significance (1 of 4 stars; one submission).

Conditions:
Developmental delay, hypotonia, musculoskeletal defects, and behavioral abnormalities. Identifiers: MedGen C5562012, MONDO:0859202, OMIM 619595.
Floating-Harbor syndrome (FLHS). Also called: SRCAP-Related Floating-Harbor Syndrome; Short stature with delayed bone age, expressive language delay, a triangular face with a prominent nose and deep-set eyes; Pelletier-Leisti syndrome. Identifiers: Orphanet 2044, MedGen C0729582, MONDO:0007621, OMIM 136140.

gnomAD v4.1: 1 of 1,613,968 alleles (0.000062%); highest among the groups gnomAD compares: Non-Finnish European, 0.000085%; no homozygotes.

Submission:

Juno Genomics, Hangzhou Juno Genomics, Inc
Classification: Uncertain significance for Developmental delay, hypotonia, musculoskeletal defects, and behavioral abnormalities; Floating-Harbor syndrome. Review status: criteria provided, single submitter. Criteria: ACMG Guidelines, 2015. Collection method: clinical testing. Allele origin: germline.
Comment: Absent from controls (or at extremely low frequency if recessive) in Genome Aggregation Database.;Missense variant in a gene that has a low rate of benign missense variation.

NM_006662.3(SRCAP):c.6611A>G (p.Gln2204Arg)

Gene: SRCAP (Snf2 related CREBBP activator protein; plus strand). Cytogenetic location: 16p11.2.
Variant type: single nucleotide variant.
Coding change: c.6611A>G on transcript NM_006662.3 (MANE Select); coding-DNA position 6611, A replaced by G.
Protein change: p.Gln2204Arg; replaces glutamine 2204 with arginine.
Molecular consequence: missense variant.
Genome position (GRCh38, 1-based): chr16:30,734,497, A>G. VCF-style: chr16-30734497-A-G. GRCh37 (hg19) VCF-style: chr16-30745818-A-G.
Other names: short protein forms Q2204R.
Identifiers: ClinVar variation 5005571 (VCV005005571.2).
Genomic context (GRCh38, chr16:30,734,497, plus strand): 5'-CTTAGACCTAAGACTAGCATTCTGTTGACTCTGACACTTCCCTCTGTTCTATCCGATAGC[A>G]GACCATCCGAGAGCTGTTTGATATGCCCCTGGAGGAACCTTCTAGCTCATCCGTGCCCTC-3'
Protein context (NP_006653.2, residues 2194-2214): GNFTTAYFKQ[Gln2204Arg]TIRELFDMPL